The following is an entry in ClinVar:

NM_001374828.1(ARID1B):c.4633C>T (p.Gln1545Ter)

Gene: ARID1B (AT-rich interaction domain 1B; plus strand). Cytogenetic location: 6q25.3.
Variant type: single nucleotide variant.
Coding change: c.4633C>T on transcript NM_001374828.1 (MANE Select); coding-DNA position 4633, C replaced by T.
Protein change: p.Gln1545Ter; replaces glutamine 1545 with a stop codon.
Molecular consequence: nonsense.
Genome position (GRCh38, 1-based): chr6:157,200,858, C>T. VCF-style: chr6-157200858-C-T. GRCh37 (hg19) VCF-style: chr6-157521992-C-T.
Other names: c.2134C>T, p.Gln712Ter (NM_001363725.2); c.4513C>T, p.Gln1505Ter (NM_001371656.1, NM_001374820.1); c.4762C>T, p.Gln1588Ter (NM_001438482.1); c.4675C>T, p.Gln1559Ter (NM_001438483.1); c.4543C>T, p.Gln1515Ter (NM_001438485.1); c.4516C>T, p.Gln1506Ter (NM_001438486.1); c.4453C>T, p.Gln1485Ter (NM_001438487.1); c.1975C>T, p.Gln659Ter (NM_001438488.1); and 1 more; short protein forms Q1485*, Q1492*, Q1505*, Q1506*, Q1515*, Q1545*, Q1559*, Q1588*.
Identifiers: ClinVar variation 4532022 (VCV004532022.1).
Genomic context (GRCh38, chr6:157,200,858, plus strand): 5'-GAGATGTACAACCAGTATGGAGGCTCCTACTCGGGCCCGGACCGCAGGCCCATCCAGGGC[C>T]AGTACCCGTATCCCTACAGCAGGGAGAGGATGCAGGGCCCGGGGCAGATCCAGACACACG-3'

ClinVar aggregate classification (germline): Pathogenic (1 of 4 stars; one submission).

Conditions:
Coffin-Siris syndrome 1 (CSS1). Also called: Mental retardation, autosomal dominant 12; ARID1B-Related Coffin-Siris Syndrome. Identifiers: Orphanet 1465, MedGen C3281201, MONDO:0007617, OMIM 135900. Disease mechanism: gain of function.

Submission:

Victorian Clinical Genetics Services, Murdoch Childrens Research Institute
Classification: Pathogenic for Coffin-Siris syndrome 1. Last evaluated: 2025-07-09. Review status: criteria provided, single submitter. Criteria: ACMG Guidelines, 2015. Collection method: clinical testing. Allele origin: germline. Affected: yes.
Comment: This variant is classified as Pathogenic. Evidence in support of pathogenic classification: Variant is predicted to cause nonsense-mediated decay (NMD) and loss of protein (premature termination codon is located at least 54 nucleotides upstream of the final exon-exon junction); Variant is absent from gnomAD (v2, v3 and v4); Other NMD-predicted variant(s) comparable to the one identified in this case have very strong previous evidence for pathogenicity (DECIPHER); Additional information: This variant is heterozygous; This gene is associated with autosomal dominant disease; Loss of function is a known mechanism of disease in this gene and is associated with Coffin-Siris syndrome 1 (MIM#135900); Variants in this gene are known to have variable expressivity (PMID: 33768696).

Literature cited by the submitters: PubMed 33768696.